The following is an entry in ClinVar:

ClinVar aggregate classification (germline): Uncertain significance (1 of 4 stars; one submission).

Submission:

Ambry Genetics
Classification: Uncertain significance. Last evaluated: 2025-12-06. Review status: criteria provided, single submitter. Criteria: Ambry Variant Classification Scheme 2023. Collection method: clinical testing. Allele origin: germline.
Comment: The p.P499L variant (also known as c.1496C>T), located in coding exon 1 of the TET2 gene, results from a C to T substitution at nucleotide position 1496. The proline at codon 499 is replaced by leucine, an amino acid with similar properties. This amino acid position is conserved. In addition, this alteration is predicted to be tolerated by in silico analysis. Based on the available evidence, the clinical significance of this variant remains unclear.

NM_001127208.3(TET2):c.1496C>T (p.Pro499Leu)

Genes: TET2 (tet methylcytosine dioxygenase 2; plus strand), TET2-AS1 (TET2 antisense RNA 1; minus strand). Cytogenetic location: 4q24.
Variant type: single nucleotide variant.
Coding change: c.1496C>T on transcript NM_001127208.3 (MANE Select); coding-DNA position 1496, C replaced by T.
Protein change: p.Pro499Leu; replaces proline 499 with leucine.
Molecular consequence: missense variant.
Genome position (GRCh38, 1-based): chr4:105,235,438, C>T. VCF-style: chr4-105235438-C-T. GRCh37 (hg19) VCF-style: chr4-106156595-C-T.
Other names: c.1496C>T, p.Pro499Leu (NM_017628.4); short protein forms P499L.
Identifiers: ClinVar variation 2303718 (VCV002303718.3), dbSNP rs1578673596, ClinGen allele CA357794910.
Genomic context (GRCh38, chr4:105,235,438, plus strand): 5'-GGCCTCAGAATAATTGTGTGAACAGGAATGACATACAGACTGCAGGGACAATGACTGTTC[C>T]ATTGTGTTCTGAGAAAACAAGACCAATGTCAGAACACCTCAAGCATAACCCACCAATTTT-3'
Protein context (NP_001120680.1, residues 489-509): DIQTAGTMTV[Pro499Leu]LCSEKTRPMS